The following is an entry in ClinVar:

NM_032790.4(ORAI1):c.792T>C (p.His264=)

Gene: ORAI1 (ORAI calcium release-activated calcium modulator 1; plus strand). Cytogenetic location: 12q24.31.
Variant type: single nucleotide variant.
Coding change: c.792T>C on transcript NM_032790.4 (MANE Select); coding-DNA position 792, T replaced by C.
Protein change: p.His264=; no amino-acid change (histidine 264 retained).
Genome position (GRCh38, 1-based): chr12:121,641,529, T>C. VCF-style: chr12-121641529-T-C. GRCh37 (hg19) VCF-style: chr12-122079435-T-C.
Other names: NM_032790.3:c.798T>C; p.Val264=.
Identifiers: ClinVar variation 403279 (VCV000403279.5), dbSNP rs1060499887, ClinGen allele CA16609795.

ClinVar aggregate classification (germline): Benign. Review status: criteria provided, multiple submitters, no conflicts (2 of 4 stars). 2 submissions from 2 submitters: Benign (2). Last evaluated 2023-07-14.

Allele frequency attached by ClinVar (database versions not stated): TOPMed below 0.00001.

Submissions (2):

Mayo Clinic Laboratories, Mayo Clinic
Classification: Benign. Last evaluated: 2023-07-14. Review status: criteria provided, single submitter. Criteria: ACMG Guidelines, 2015. Collection method: clinical testing. Allele origin: germline. Observed: 40 variant alleles.

Laboratory for Molecular Medicine, Mass General Brigham Personalized Medicine
Classification: Benign. Last evaluated: 2016-03-29. Review status: criteria provided, single submitter. Criteria: LMM Criteria. Collection method: clinical testing. Allele origin: germline.
Comment: Variant identified in a genome or exome case(s) and assessed due to predicted null impact of the variant or pathogenic assertions in the literature or databases. Disclaimer: This variant has not undergone full assessment. The following are preliminary notes: Frequency